The following is an entry in ClinVar:

NM_020297.4(ABCC9):c.872G>C (p.Arg291Thr)

Gene: ABCC9 (ATP binding cassette subfamily C member 9; minus strand). Cytogenetic location: 12p12.1.
Variant type: single nucleotide variant.
Coding change: c.872G>C on transcript NM_020297.4 (MANE Select); coding-DNA position 872, G replaced by C.
Protein change: p.Arg291Thr; replaces arginine 291 with threonine.
Molecular consequence: missense variant.
Genome position (GRCh38, 1-based): chr12:21,913,011, C>G on the plus strand (G>C on the coding strand, the complement: ABCC9 is on the minus strand). VCF-style: chr12-21913011-C-G. GRCh37 (hg19) VCF-style: chr12-22065945-C-G.
Other names: c.872G>C, p.Arg291Thr (NM_001377273.1, NM_005691.4); c.8G>C, p.Arg3Thr (NM_001377274.1); short protein forms R291T, R3T.
Identifiers: ClinVar variation 1764474 (VCV001764474.2), dbSNP rs2541700848, ClinGen allele CA384121676.
Genomic context (GRCh38, chr12:21,913,011, plus strand): 5'-CCCAGTAAATCAGCCAGATAGCGGAATGTGCTACTAAGTAGAATTGGTCGCCCAAAAGCT[C>G]TGTACATTGCAAGCCATATAGATGGAGTCCGATTTGGATGATCTGCAACTTTTTTCTGAA-3'
Protein context (NP_064693.2, residues 281-301): RTPSIWLAMY[Arg291Thr]AFGRPILLSS

ClinVar aggregate classification (germline): Uncertain significance (1 of 4 stars; one submission).

Conditions:
Cardiovascular phenotype. Identifiers: MedGen CN230736.

Allele frequency attached by ClinVar (database versions not stated): gnomAD exomes below 0.00001.
gnomAD v4.1: 1 of 1,612,148 alleles (0.000062%); highest among the groups gnomAD compares: Non-Finnish European, 0.000085%; no homozygotes.

Submission:

Ambry Genetics
Classification: Uncertain significance for Cardiovascular phenotype. Last evaluated: 2022-10-06. Review status: criteria provided, single submitter. Criteria: Ambry Variant Classification Scheme 2023. Collection method: clinical testing. Allele origin: germline.
Comment: The p.R291T variant (also known as c.872G>C), located in coding exon 6 of the ABCC9 gene, results from a G to C substitution at nucleotide position 872. The arginine at codon 291 is replaced by threonine, an amino acid with similar properties. This amino acid position is well conserved in available vertebrate species. In addition, the in silico prediction for this alteration is inconclusive. Since supporting evidence is limited at this time, the clinical significance of this alteration remains unclear.